The following is an entry in ClinVar:

ClinVar aggregate classification (germline): Likely benign. Review status: criteria provided, single submitter (1 of 4 stars). 2 submissions from 2 submitters: Likely benign (1). 1 of the submissions does not count toward it. Last evaluated 2026-01-12.

Conditions:
COL6A2-related disorder.
Bethlem myopathy 1A. Also called: MYOPATHY, BENIGN CONGENITAL, WITH CONTRACTURES; Bethlem myopathy 1; Bethlem Muscular Dystrophy. Identifiers: Orphanet 610, MedGen CN029274, MONDO:0024530, OMIM 158810.

Allele frequency attached by ClinVar (database versions not stated): gnomAD 0.00003; gnomAD exomes 0.00003; TOPMed 0.00003; ExAC 0.00004; ESP Exome Variant Server 0.00015.
gnomAD v4.1: 21 of 1,611,622 alleles (0.0013%); highest among the groups gnomAD compares: Middle Eastern, 0.016%; no homozygotes.

Submissions (2):

Labcorp Genetics (formerly Invitae), Labcorp
Classification: Likely benign for Bethlem myopathy 1A. Last evaluated: 2026-01-12. Review status: criteria provided, single submitter. Criteria: Invitae Variant Classification Sherloc (09022015). Collection method: clinical testing. Allele origin: germline.

PreventionGenetics, part of Exact Sciences
Classification: Likely benign for COL6A2-related condition. Last evaluated: 2020-08-20. Review status: no assertion criteria provided. Collection method: clinical testing. Allele origin: germline. Not counted in ClinVar's aggregate classification.
Comment: This variant is classified as likely benign based on ACMG/AMP sequence variant interpretation guidelines (Richards et al. 2015 PMID: 25741868, with internal and published modifications).

NM_001849.4(COL6A2):c.2319C>T (p.Tyr773=)

Gene: COL6A2 (collagen type VI alpha 2 chain; plus strand). Cytogenetic location: 21q22.3.
Variant type: single nucleotide variant.
Coding change: c.2319C>T on transcript NM_001849.4 (MANE Select); coding-DNA position 2319, C replaced by T.
Protein change: p.Tyr773=; no amino-acid change (tyrosine 773 retained).
Molecular consequence: synonymous variant.
Genome position (GRCh38, 1-based): chr21:46,126,134, C>T. VCF-style: chr21-46126134-C-T. GRCh37 (hg19) VCF-style: chr21-47546048-C-T.
Other names: c.2319C>T, p.Tyr773= (NM_058174.3, NM_058175.3).
Identifiers: ClinVar variation 543031 (VCV000543031.11), dbSNP rs377458657, ClinGen allele CA10072516.
Genomic context (GRCh38, chr21:46,126,134, plus strand): 5'-AGTGACGGCCATCGGCATCGGGGACATGTTCCACGAGAAGCACGAGAGTGAAAACCTCTA[C>T]TCCATCGCCTGCGACAAGCCACAGCAGGTGCGCAACATGACGCTGTTCTCCGACCTGGTC-3'
Protein context (NP_001840.3, residues 763-783): FHEKHESENL[Tyr773=]SIACDKPQQV